The following is an entry in ClinVar:

ClinVar aggregate classification (germline): Uncertain significance (1 of 4 stars; one submission).

Conditions:
Brugada syndrome. Also called: Sudden unexpected nocturnal death syndrome; Sudden unexplained nocturnal death syndrome; Sudden Unexplained Death Syndrome; Sudden Unexplained Nocturnal Death Syndrome (SUNDS). Identifiers: Orphanet 130, MedGen C1142166, MONDO:0015263.

Submission:

Labcorp Genetics (formerly Invitae), Labcorp
Classification: Uncertain significance for Brugada syndrome. Last evaluated: 2018-12-07. Review status: criteria provided, single submitter. Criteria: Invitae Variant Classification Sherloc (09022015). Collection method: clinical testing. Allele origin: germline.
Comment: This sequence change replaces leucine with valine at codon 549 of the SCN10A protein (p.Leu549Val). The leucine residue is weakly conserved and there is a small physicochemical difference between leucine and valine. This variant is not present in population databases (ExAC no frequency). This variant has not been reported in the literature in individuals with SCN10A-related conditions. Algorithms developed to predict the effect of missense changes on protein structure and function (SIFT, PolyPhen-2, Align-GVGD) all suggest that this variant is likely to be tolerated, but these predictions have not been confirmed by published functional studies and their clinical significance is uncertain. In summary, the available evidence is currently insufficient to determine the role of this variant in disease. Therefore, it has been classified as a Variant of Uncertain Significance.

NM_006514.4(SCN10A):c.1645C>G (p.Leu549Val)

Gene: SCN10A (sodium voltage-gated channel alpha subunit 10; minus strand). Cytogenetic location: 3p22.2.
Variant type: single nucleotide variant.
Coding change: c.1645C>G on transcript NM_006514.4 (MANE Select); coding-DNA position 1645, C replaced by G.
Protein change: p.Leu549Val; replaces leucine 549 with valine.
Molecular consequence: missense variant. On other transcripts: intron variant (1).
Genome position (GRCh38, 1-based): chr3:38,752,329, G>C on the plus strand (C>G on the coding strand, the complement: SCN10A is on the minus strand). VCF-style: chr3-38752329-G-C. GRCh37 (hg19) VCF-style: chr3-38793820-G-C.
Other names: c.1645C>G, p.Leu549Val (NM_001293306.2); c.1462-2145C>G (NM_001293307.2); short protein forms L549V.
Identifiers: ClinVar variation 657725 (VCV000657725.5), dbSNP rs1576001893, ClinGen allele CA352167303.